The following is an entry in ClinVar:

NM_014712.3(SETD1A):c.1415C>G (p.Ala472Gly)

Gene: SETD1A (SET domain containing 1A, histone lysine methyltransferase; plus strand). Cytogenetic location: 16p11.2.
Variant type: single nucleotide variant.
Coding change: c.1415C>G on transcript NM_014712.3 (MANE Select); coding-DNA position 1415, C replaced by G.
Protein change: p.Ala472Gly; replaces alanine 472 with glycine.
Molecular consequence: missense variant.
Genome position (GRCh38, 1-based): chr16:30,965,157, C>G. VCF-style: chr16-30965157-C-G. GRCh37 (hg19) VCF-style: chr16-30976478-C-G.
Other names: short protein forms A472G.
Identifiers: ClinVar variation 1517303 (VCV001517303.8), dbSNP rs757406434, ClinGen allele CA8016671.
Genomic context (GRCh38, chr16:30,965,157, plus strand): 5'-AGAGAGAAGAAGTTCGGACTTCCCCCCGCCCAGCCTCCCCTGCCCGCTCTGGCTCCCCAG[C>G]CCCGGAGACCACCAATGAGAGTGTGCCCTTCGCCCAGCACAGCAGCCTGGATTCCCGCAT-3'
Protein context (NP_055527.1, residues 462-482): PASPARSGSP[Ala472Gly]PETTNESVPF

ClinVar aggregate classification (germline): Uncertain significance (1 of 4 stars; one submission).

Allele frequency attached by ClinVar (database versions not stated): gnomAD 0.00001; gnomAD exomes 0.00001; ExAC 0.00002.
gnomAD v4.1: 12 of 1,613,410 alleles (0.00074%); highest among the groups gnomAD compares: South Asian, 0.0044%; no homozygotes.

Submission:

Labcorp Genetics (formerly Invitae), Labcorp
Classification: Uncertain significance. Last evaluated: 2021-01-22. Review status: criteria provided, single submitter. Criteria: Invitae Variant Classification Sherloc (09022015). Collection method: clinical testing. Allele origin: germline.
Comment: This sequence change replaces alanine with glycine at codon 472 of the SETD1A protein (p.Ala472Gly). The alanine residue is weakly conserved and there is a small physicochemical difference between alanine and glycine. This variant is present in population databases (rs757406434, ExAC 0.006%). This variant has been observed in individual(s) with clinical features of SETD1A-related conditions (Invitae). Algorithms developed to predict the effect of missense changes on protein structure and function are either unavailable or do not agree on the potential impact of this missense change (SIFT: "Tolerated"; PolyPhen-2: "Possibly Damaging"; Align-GVGD: "Class C0"). In summary, the available evidence is currently insufficient to determine the role of this variant in disease. Therefore, it has been classified as a Variant of Uncertain Significance.